The following is an entry in ClinVar:

NM_000393.5(COL5A2):c.2386G>A (p.Ala796Thr)

Gene: COL5A2 (collagen type V alpha 2 chain; minus strand). Cytogenetic location: 2q32.2.
Variant type: single nucleotide variant.
Coding change: c.2386G>A on transcript NM_000393.5 (MANE Select); coding-DNA position 2386, G replaced by A.
Protein change: p.Ala796Thr; replaces alanine 796 with threonine.
Molecular consequence: missense variant.
Genome position (GRCh38, 1-based): chr2:189,056,978, C>T on the plus strand (G>A on the coding strand, the complement: COL5A2 is on the minus strand). VCF-style: chr2-189056978-C-T. GRCh37 (hg19) VCF-style: chr2-189921704-C-T.
Other names: p.Ala796Thr; c.2386G>A (NM_000393.3); short protein forms A796T.
Identifiers: ClinVar variation 2074066 (VCV002074066.6), dbSNP rs2469274202, ClinGen allele CA349873465.

ClinVar aggregate classification (germline): Uncertain significance. Review status: criteria provided, multiple submitters, no conflicts (2 of 4 stars). 4 submissions from 4 submitters: Uncertain significance (4). Last evaluated 2026-02-24.

Conditions:
Ehlers-Danlos syndrome, classic type, 1 (EDSCL1). Also called: Ehlers-Danlos syndrome, type 1; EDS I; Ehlers-Danlos Syndrome, Classic Type, COL5A1-Related; EHLERS-DANLOS SYNDROME, GRAVIS TYPE; EHLERS-DANLOS SYNDROME, SEVERE CLASSIC TYPE. Identifiers: MedGen C0268335, MONDO:0019567, OMIM 130000.

Allele frequency attached by ClinVar (database versions not stated): gnomAD exomes below 0.00001.
gnomAD v4.1: 2 of 1,613,966 alleles (0.00012%); highest among the groups gnomAD compares: Non-Finnish European, 0.00017%; no homozygotes.

Submissions (4):

GeneDx
Classification: Uncertain significance. Last evaluated: 2026-02-24. Review status: criteria provided, single submitter. Criteria: GeneDx Variant Classification Process June 2021. Collection method: clinical testing. Allele origin: germline.
Comment: Not observed at significant frequency in large population cohorts (gnomAD); In silico analysis suggests that this missense variant does not alter protein structure/function; Has not been previously published as pathogenic or benign to our knowledge; This variant is associated with the following publications: (PMID: 22696272)

Mayo Clinic Laboratories, Mayo Clinic
Classification: Uncertain significance. Last evaluated: 2024-02-21. Review status: criteria provided, single submitter. Criteria: ACMG Guidelines, 2015. Collection method: clinical testing. Allele origin: germline. Observed: 1 variant allele.
Comment: PM2

Labcorp Genetics (formerly Invitae), Labcorp
Classification: Uncertain significance for Ehlers-Danlos syndrome, classic type, 1. Last evaluated: 2024-02-17. Review status: criteria provided, single submitter. Criteria: Invitae Variant Classification Sherloc (09022015). Collection method: clinical testing. Allele origin: germline.
Comment: This sequence change replaces alanine, which is neutral and non-polar, with threonine, which is neutral and polar, at codon 796 of the COL5A2 protein (p.Ala796Thr). This variant is not present in population databases (gnomAD no frequency). This variant has not been reported in the literature in individuals affected with COL5A2-related conditions. ClinVar contains an entry for this variant (Variation ID: 2074066). Advanced modeling of protein sequence and biophysical properties (such as structural, functional, and spatial information, amino acid conservation, physicochemical variation, residue mobility, and thermodynamic stability) performed at Invitae indicates that this missense variant is not expected to disrupt COL5A2 protein function with a negative predictive value of 80%. In summary, the available evidence is currently insufficient to determine the role of this variant in disease. Therefore, it has been classified as a Variant of Uncertain Significance.

Blueprint Genetics
Classification: Uncertain significance. Last evaluated: 2023-06-05. Review status: criteria provided, single submitter. Criteria: ACMG Guidelines, 2015. Collection method: clinical testing. Allele origin: germline.